The following is an entry in ClinVar:

NM_002582.4(PARN):c.1193-2A>G

Gene: PARN (poly(A)-specific ribonuclease; minus strand). Cytogenetic location: 16p13.12.
Variant type: single nucleotide variant.
Coding change: c.1193-2A>G on transcript NM_002582.4 (MANE Select); the canonical splice acceptor site of the intron before coding-DNA position 1193, A replaced by G.
Molecular consequence: splice acceptor variant.
Genome position (GRCh38, 1-based): chr16:14,580,945, T>C on the plus strand (A>G on the coding strand, the complement: PARN is on the minus strand). VCF-style: chr16-14580945-T-C. GRCh37 (hg19) VCF-style: chr16-14674802-T-C.
Other names: c.1010-2A>G (NM_001134477.3); c.1055-2A>G (NM_001242992.2).
Identifiers: ClinVar variation 4531519 (VCV004531519.1).

ClinVar aggregate classification (germline): Likely pathogenic (1 of 4 stars; one submission).

Conditions:
Pulmonary fibrosis and/or bone marrow failure, Telomere-related, 4. Also called: PULMONARY FIBROSIS AND/OR BONE MARROW FAILURE SYNDROME, TELOMERE-RELATED, 4. Identifiers: Orphanet 2032, MedGen C4225347, MONDO:0014612, OMIM 616371.

Submission:

Victorian Clinical Genetics Services, Murdoch Childrens Research Institute
Classification: Likely pathogenic for Pulmonary fibrosis and/or bone marrow failure, Telomere-related, 4. Last evaluated: 2025-01-16. Review status: criteria provided, single submitter. Criteria: ACMG Guidelines, 2015. Collection method: clinical testing. Allele origin: germline. Affected: yes.
Comment: This variant is classified as Likely pathogenic. Evidence in support of pathogenic classification: Canonical splice site variant without proven consequence on splicing (no functional evidence available); Variant is absent from gnomAD (v2, v3 and v4); Abnormal splicing is predicted by in silico tool and affected nucleotide is highly conserved. Additional information: This variant is heterozygous; This gene is associated with both recessive and dominant disease; Alternative nucleotide change(s) at the same canonical splice site are present in gnomAD (Highest allele count: v4: 1 heterozygote(s), 0 homozygote(s)); This variant has no previous evidence of pathogenicity; No published segregation evidence has been identified for this variant; No published functional evidence has been identified for this variant; No comparable splice site variants have previous evidence for pathogenicity; Loss of function is a known mechanism of disease in this gene and is associated with dyskeratosis congenita, autosomal recessive 6 (MIM#616353), and pulmonary fibrosis and/or bone marrow failure, telomere-related, 4 (MIM#616371); The condition associated with this gene has incomplete penetrance (PMID: 25848748); Variants in this gene are known to have variable expressivity. Intra-familial variability has been reported (PMID: 20301779); Inheritance information for this variant is not currently available in this individual.

Literature cited by the submitters: PubMed 20301779; PubMed 25848748.